The following is an entry in ClinVar:

NM_024596.5(MCPH1):c.1065G>T (p.Lys355Asn)

Gene: MCPH1 (microcephalin 1; plus strand). Cytogenetic location: 8p23.1.
Variant type: single nucleotide variant.
Coding change: c.1065G>T on transcript NM_024596.5 (MANE Select); coding-DNA position 1065, G replaced by T.
Protein change: p.Lys355Asn; replaces lysine 355 with asparagine.
Molecular consequence: missense variant. On other transcripts: non-coding transcript variant (1).
Genome position (GRCh38, 1-based): chr8:6,444,787, G>T. VCF-style: chr8-6444787-G-T. GRCh37 (hg19) VCF-style: chr8-6302308-G-T.
Other names: c.1065G>T, p.Lys355Asn (NM_001172574.2, NM_001322042.2, NM_001363979.1 and 3 more transcripts); c.921G>T, p.Lys307Asn (NM_001172575.2); c.1059G>T, p.Lys353Asn (NM_001322043.2); c.963G>T, p.Lys321Asn (NM_001322045.2); short protein forms K321N, K353N, K355N, K307N.
Identifiers: ClinVar variation 2084651 (VCV002084651.2), dbSNP rs200976069, ClinGen allele CA4610448.
Genomic context (GRCh38, chr8:6,444,787, plus strand): 5'-CTTATCTTCAACAAAAGGCCACCTTTTGATACATTCAAGACCCAGGAGTTCCTCAGTAAA[G>T]AGAAAAAGAGTATCACATGGCTCCCATTCACCTCCGAAGGAAAAATGCAAGAGAAAGAGG-3'
Protein context (NP_078872.3, residues 345-365): IHSRPRSSSV[Lys355Asn]RKRVSHGSHS

ClinVar aggregate classification (germline): Uncertain significance (1 of 4 stars; one submission).

gnomAD v4.1: 67 of 1,613,976 alleles (0.0042%); highest among the groups gnomAD compares: Admixed American, 0.012%; no homozygotes.

Submission:

Labcorp Genetics (formerly Invitae), Labcorp
Classification: Uncertain significance. Last evaluated: 2024-05-20. Review status: criteria provided, single submitter. Criteria: Invitae Variant Classification Sherloc (09022015). Collection method: clinical testing. Allele origin: germline.
Comment: This sequence change replaces lysine, which is basic and polar, with asparagine, which is neutral and polar, at codon 355 of the MCPH1 protein (p.Lys355Asn). This variant is present in population databases (rs200976069, gnomAD 0.009%). This variant has not been reported in the literature in individuals affected with MCPH1-related conditions. ClinVar contains an entry for this variant (Variation ID: 2084651). Advanced modeling of protein sequence and biophysical properties (such as structural, functional, and spatial information, amino acid conservation, physicochemical variation, residue mobility, and thermodynamic stability) has been performed at Invitae for this missense variant, however the output from this modeling did not meet the statistical confidence thresholds required to predict the impact of this variant on MCPH1 protein function. In summary, the available evidence is currently insufficient to determine the role of this variant in disease. Therefore, it has been classified as a Variant of Uncertain Significance.